The following is an entry in ClinVar:

NC_000001.10:g.(?_241661128)_(242034263_?)dup

Genes: CHML (CHM like Rab escort protein; minus strand), EXO1 (exonuclease 1; plus strand), FH (fumarate hydratase; minus strand), KMO (kynurenine 3-monooxygenase; plus strand), OPN3 (opsin 3; minus strand) and 1 more. Cytogenetic location: 1q43.
Variant type: Duplication.
Identifiers: ClinVar variation 832829 (VCV000832829.1).

ClinVar aggregate classification (germline): Uncertain significance (1 of 4 stars; one submission).

Conditions:
Fumarase deficiency (FMRD). Also called: Fumaric aciduria; Fumarate Hydratase Deficiency. Identifiers: Orphanet 24, MedGen C0342770, MONDO:0011730, OMIM 606812.

Submission:

Labcorp Genetics (formerly Invitae), Labcorp
Classification: Uncertain significance for Fumarase deficiency. Last evaluated: 2019-12-05. Review status: criteria provided, single submitter. Criteria: Invitae Variant Classification Sherloc (09022015). Collection method: clinical testing. Allele origin: germline.
Comment: This variant results in a copy number gain of the genomic region encompassing the full coding sequence of the FH gene. The boundaries of this event are unknown as they extend beyond the assayed region for this gene and therefore may encompass additional genes. As the precise location of this event is unknown, it may be in tandem or it may be located elsewhere in the genome. This variant has not been reported in the literature in individuals with FH-related disease. ClinVar contains an entry for FH gene duplications (Variation ID: 460333). In summary, the available evidence is currently insufficient to determine the role of this variant in disease. Therefore, it has been classified as a Variant of Uncertain Significance.